The following is an entry in ClinVar:

NM_003072.5(SMARCA4):c.1104G>A (p.Gln368=)

Gene: SMARCA4 (SWI/SNF related BAF chromatin remodeling complex subunit ATPase 4; plus strand). Cytogenetic location: 19p13.2.
Variant type: single nucleotide variant.
Coding change: c.1104G>A on transcript NM_003072.5 (MANE Select); coding-DNA position 1104, G replaced by A.
Protein change: p.Gln368=; no amino-acid change (glutamine 368 retained).
Molecular consequence: synonymous variant. On other transcripts: non-coding transcript variant (1).
Genome position (GRCh38, 1-based): chr19:10,987,910, G>A. VCF-style: chr19-10987910-G-A. GRCh37 (hg19) VCF-style: chr19-11098586-G-A.
Other names: c.1104G>A, p.Gln368= (NM_001128844.3, NM_001128845.2, NM_001128846.2 and 5 more transcripts).
Identifiers: ClinVar variation 328023 (VCV000328023.29), dbSNP rs751242644, ClinGen allele CA9203674.

ClinVar aggregate classification (germline): Benign/Likely benign. Review status: criteria provided, multiple submitters, no conflicts (2 of 4 stars). 9 submissions from 9 submitters: Benign (2); Likely benign (6). 1 of the submissions does not count toward it. Last evaluated 2026-07-09.

Conditions:
Coffin-Siris syndrome. Identifiers: Orphanet 1465, MedGen C0265338, MONDO:0015452.
Intellectual disability, autosomal dominant 16 (CSS4). Also called: COFFIN-SIRIS SYNDROME 4. Identifiers: Orphanet 1465, MedGen C3553249, MONDO:0013821, OMIM 614609.
Rhabdoid tumor predisposition syndrome 2 (RTPS2). Identifiers: Orphanet 231108, Orphanet 69077, MedGen C2750074, MONDO:0013224, OMIM 613325.
SMARCA4-related disorder. Also called: SMARCA4-related condition.
Hereditary cancer-predisposing syndrome. Also called: Tumor predisposition; Neoplastic Syndromes, Hereditary; Hereditary neoplastic syndrome; Hereditary Cancer Syndrome. Identifiers: Orphanet 140162, MedGen C0027672, MeSH D009386, MONDO:0015356.

Allele frequency attached by ClinVar (database versions not stated): gnomAD exomes 0.00001 and 0.00002; gnomAD 0.00007 and 0.00008; TOPMed 0.00009; ExAC 0.00003.
gnomAD v4.1: 36 of 1,612,950 alleles (0.0022%); highest among the groups gnomAD compares: Middle Eastern, 0.036%; 1 homozygote.

Submissions (9):

Myriad Genetics, Inc.
Classification: Benign for Rhabdoid tumor predisposition syndrome 2. Last evaluated: 2026-07-09. Review status: criteria provided, single submitter. Criteria: Myriad Autosomal Dominant, Autosomal Recessive and X-Linked Classification Criteria (2023). Collection method: clinical testing. Allele origin: unknown.
Comment: This variant is considered benign. This variant is a silent/synonymous amino acid change and it is not expected to impact splicing.

Labcorp Genetics (formerly Invitae), Labcorp
Classification: Likely benign for Rhabdoid tumor predisposition syndrome 2. Last evaluated: 2026-01-20. Review status: criteria provided, single submitter. Criteria: Invitae Variant Classification Sherloc (09022015). Collection method: clinical testing. Allele origin: germline.

Blueprint Genetics
Classification: Likely benign. Last evaluated: 2024-09-13. Review status: criteria provided, single submitter. Criteria: ACMG Guidelines, 2015. Collection method: clinical testing. Allele origin: germline.

Genome-Nilou Lab
Classification: Likely benign for Intellectual disability, autosomal dominant 16. Last evaluated: 2021-07-15. Review status: criteria provided, single submitter. Criteria: ACMG Guidelines, 2015. Collection method: clinical testing. Allele origin: germline. Affected: no.

GeneDx
Classification: Likely benign. Last evaluated: 2021-02-02. Review status: criteria provided, single submitter. Criteria: GeneDx Variant Classification Process June 2021. Collection method: clinical testing. Allele origin: germline. Affected: yes.

Sema4
Classification: Likely benign for Hereditary cancer-predisposing syndrome. Last evaluated: 2020-10-28. Review status: criteria provided, single submitter. Criteria: Sema4 Curation Guidelines. Collection method: curation. Allele origin: germline.

Illumina Laboratory Services, Illumina
Classification: Benign for Coffin-Siris syndrome. Last evaluated: 2018-01-13. Review status: criteria provided, single submitter. Criteria: ICSL Variant Classification Criteria 13 December 2019. Collection method: clinical testing. Allele origin: germline.
Comment: This variant was observed in the ICSL laboratory as part of a predisposition screen in an ostensibly healthy population. It had not been previously curated by ICSL or reported in the Human Gene Mutation Database (HGMD: prior to June 1st, 2018), and was therefore a candidate for classification through an automated scoring system. Utilizing variant allele frequency, disease prevalence and penetrance estimates, and inheritance mode, an automated score was calculated to assess if this variant is too frequent to cause the disease. Based on the score and internal cut-off values, a variant classified as benign is not then subjected to further curation. The score for this variant resulted in a classification of benign for this disease.

Ambry Genetics
Classification: Likely benign for Hereditary cancer-predisposing syndrome. Last evaluated: 2015-10-03. Review status: criteria provided, single submitter. Criteria: Ambry Variant Classification Scheme 2023. Collection method: clinical testing. Allele origin: germline.

PreventionGenetics, part of Exact Sciences
Classification: Likely benign for SMARCA4-related condition. Last evaluated: 2023-11-09. Review status: no assertion criteria provided. Collection method: clinical testing. Allele origin: germline. Not counted in ClinVar's aggregate classification.
Comment: This variant is classified as likely benign based on ACMG/AMP sequence variant interpretation guidelines (Richards et al. 2015 PMID: 25741868, with internal and published modifications).